The following is an entry in ClinVar:

ClinVar aggregate classification (germline): Pathogenic. Review status: criteria provided, multiple submitters, no conflicts (2 of 4 stars). 2 submissions from 2 submitters: Pathogenic (2). Last evaluated 2025-02-13.

Conditions:
Sotos syndrome (SOTOS). Also called: Distinctive facial appearance, overgrowth in childhood, and learning disabilities or delayed development; CEREBRAL GIGANTISM; Sotos' syndrome; CHROMOSOME 5q35 DELETION SYNDROME; SOTOS SYNDROME 1. Identifiers: Orphanet 821, MedGen C0175695, MONDO:0019349, OMIM 117550.

Submissions (2):

3billion
Classification: Pathogenic for Sotos syndrome. Last evaluated: 2025-02-13. Review status: criteria provided, single submitter. Criteria: ACMG Guidelines, 2015. Collection method: clinical testing. Allele origin: germline. Affected: yes.
Comment: The variant is not observed in the gnomAD v4.1.0 dataset. Predicted Consequence/Location: Frameshift: predicted to result in a loss or disruption of normal protein function through nonsense-mediated decay (NMD) or protein truncation. Multiple pathogenic variants are reported downstream of the variant. The variant has been reported to be associated with NSD1-related disorder (ClinVar ID: VCV000159374). Therefore, this variant is classified as Pathogenic according to the recommendation of ACMG/AMP guideline.

Genetic Services Laboratory, University of Chicago
Classification: Pathogenic for Sotos syndrome 1. Last evaluated: 2013-02-08. Review status: criteria provided, single submitter. Criteria: ACMG Guidelines, 2007. Collection method: clinical testing. Allele origin: germline. Inheritance: Autosomal dominant inheritance. Affected: yes.

NM_022455.5(NSD1):c.5712del (p.Cys1905fs)

Gene: NSD1 (nuclear receptor binding SET domain protein 1; plus strand). Cytogenetic location: 5q35.3.
Variant type: Deletion.
Coding change: c.5712del on transcript NM_022455.5 (MANE Select); coding-DNA position 5712, one base deleted (C; older notation c.5712delC).
Protein change: p.Cys1905fs; shifts the reading frame from cysteine 1905.
Molecular consequence: frameshift variant.
Genome position (GRCh38, 1-based): chr5:177,280,654, C deleted; the last of 4 consecutive C bases (chr5:177,280,651-177,280,654); deleting any one gives the same sequence. VCF-style (leftmost placement, unchanged base first): chr5-177280650-AC-A. GRCh37 (hg19) VCF-style: chr5-176707651-AC-A.
Other names: c.4839delC, p.Cys1614Valfs (NM_001365684.2, NM_001409308.1, NM_001409309.1 and 1 more transcripts); c.5712delC, p.Cys1905Valfs (NM_001409301.1, NM_001409302.1, NM_001409303.1 and 1 more transcripts); c.5292delC, p.Cys1765Valfs (NM_001409304.1); c.4959delC, p.Cys1654Valfs (NM_001409305.1); c.4950delC, p.Cys1651Valfs (NM_001409306.1, NM_001409307.1); short protein forms C1636fs, C1905fs.
Identifiers: ClinVar variation 159374 (VCV000159374.8), dbSNP rs587784153, ClinGen allele CA294973.